The following is an entry in ClinVar:

NM_000077.5(CDKN2A):c.64C>G (p.Arg22Gly)

Gene: CDKN2A (cyclin dependent kinase inhibitor 2A; minus strand). Cytogenetic location: 9p21.3.
Variant type: single nucleotide variant.
Coding change: c.64C>G on transcript NM_000077.5; coding-DNA position 64, C replaced by G.
Protein change: p.Arg22Gly; replaces arginine 22 with glycine.
Molecular consequence: missense variant (on NM_000077.6). On other transcripts: intron variant (2).
Genome position (GRCh38, 1-based): chr9:21,974,764, G>C on the plus strand (C>G on the coding strand, the complement: CDKN2A is on the minus strand). VCF-style: chr9-21974764-G-C. GRCh37 (hg19) VCF-style: chr9-21974763-G-C.
Other names: c.64C>G, p.Arg22Gly (NM_000077.6, NM_001195132.2, NM_058197.5); c.-3-3556C>G (NM_001363763.2); c.194-3556C>G (NM_058195.4); short protein forms R22G.
Identifiers: ClinVar variation 863230 (VCV000863230.11), dbSNP rs374921006, ClinGen allele CA190732996.

ClinVar aggregate classification (germline): Uncertain significance. Review status: criteria provided, multiple submitters, no conflicts (2 of 4 stars). 4 submissions from 4 submitters: Uncertain significance (4). Last evaluated 2026-05-05.

Conditions:
Familial melanoma. Also called: Hereditary melanoma; Hereditary cutaneous melanoma. Identifiers: Orphanet 618, MedGen C1512419, MONDO:0018961.
Hereditary cancer-predisposing syndrome. Also called: Neoplastic Syndromes, Hereditary; Tumor predisposition; Hereditary Cancer Syndrome; Hereditary neoplastic syndrome. Identifiers: Orphanet 140162, MedGen C0027672, MeSH D009386, MONDO:0015356.
Melanoma and neural system tumor syndrome. Also called: MELANOMA-ASTROCYTOMA SYNDROME. Identifiers: Orphanet 252206, MedGen C1835042, MONDO:0007967, OMIM 155755.

Submissions (4):

Ambry Genetics
Classification: Uncertain significance for Hereditary cancer-predisposing syndrome. Last evaluated: 2026-05-05. Review status: criteria provided, single submitter. Criteria: Ambry Variant Classification Scheme 2023. Collection method: clinical testing. Allele origin: germline.
Comment: The p.R22G variant (also known as c.64C>G), located in coding exon 1 of the CDKN2A gene, results from a C to G substitution at nucleotide position 64. The arginine at codon 22 is replaced by glycine, an amino acid with dissimilar properties. This amino acid position is not well conserved in available vertebrate species. In addition, this alteration is predicted to be tolerated by in silico analysis. Based on the available evidence, the clinical significance of this variant remains unclear.

Labcorp Genetics (formerly Invitae), Labcorp
Classification: Uncertain significance for Familial melanoma. Last evaluated: 2024-11-06. Review status: criteria provided, single submitter. Criteria: Invitae Variant Classification Sherloc (09022015). Collection method: clinical testing. Allele origin: germline.
Comment: This sequence change replaces arginine, which is basic and polar, with glycine, which is neutral and non-polar, at codon 22 of the CDKN2A (p16INK4a) protein (p.Arg22Gly). This variant is not present in population databases (gnomAD no frequency). This variant has not been reported in the literature in individuals affected with CDKN2A (p16INK4a)-related conditions. ClinVar contains an entry for this variant (Variation ID: 863230). An algorithm developed to predict the effect of missense changes on protein structure and function outputs the following: PolyPhen-2: "Benign". The glycine amino acid residue is found in multiple mammalian species, which suggests that this missense change does not adversely affect protein function. In summary, the available evidence is currently insufficient to determine the role of this variant in disease. Therefore, it has been classified as a Variant of Uncertain Significance.

Baylor Genetics
Classification: Uncertain significance for Melanoma and neural system tumor syndrome. Last evaluated: 2024-01-25. Review status: criteria provided, single submitter. Criteria: ACMG Guidelines, 2015. Collection method: clinical testing. Allele origin: unknown.

Color Diagnostics, LLC DBA Color Health
Classification: Uncertain significance for Hereditary cancer-predisposing syndrome. Last evaluated: 2021-09-20. Review status: criteria provided, single submitter. Criteria: ACMG Guidelines, 2015. Collection method: clinical testing. Allele origin: germline.
Comment: This missense variant replaces arginine with glycine at codon 22 of the CDKN2A (p16INK4A) protein. Computational prediction suggests that this variant may not impact protein structure and function (internally defined REVEL score threshold <= 0.5, PMID: 27666373). To our knowledge, functional studies have not been reported for this variant. This variant has not been reported in individuals affected with hereditary cancer in the literature. This variant has not been identified in the general population by the Genome Aggregation Database (gnomAD). The available evidence is insufficient to determine the role of this variant in disease conclusively. Therefore, this variant is classified as a Variant of Uncertain Significance.